The following is an entry in ClinVar:

ClinVar aggregate classification (germline): Uncertain significance. Review status: criteria provided, multiple submitters, no conflicts (2 of 4 stars). 2 submissions from 2 submitters: Uncertain significance (2). Last evaluated 2022-04-08.

Allele frequency attached by ClinVar (database versions not stated): TOPMed below 0.00001; gnomAD exomes 0.00001.
gnomAD v4.1: 17 of 1,614,192 alleles (0.0011%); highest among the groups gnomAD compares: Non-Finnish European, 0.0014%; 1 homozygote.

Submissions (2):

Blueprint Genetics
Classification: Uncertain significance. Last evaluated: 2022-04-08. Review status: criteria provided, single submitter. Criteria: ACMG Guidelines, 2015. Collection method: clinical testing. Allele origin: germline.

Labcorp Genetics (formerly Invitae), Labcorp
Classification: Uncertain significance. Last evaluated: 2019-10-17. Review status: criteria provided, single submitter. Criteria: Invitae Variant Classification Sherloc (09022015). Collection method: clinical testing. Allele origin: germline.
Comment: In summary, the available evidence is currently insufficient to determine the role of this variant in disease. Therefore, it has been classified as a Variant of Uncertain Significance. Algorithms developed to predict the effect of missense changes on protein structure and function are either unavailable or do not agree on the potential impact of this missense change (SIFT: "Tolerated"; PolyPhen-2: "Possibly Damaging"; Align-GVGD: "Class C0"). This variant has not been reported in the literature in individuals with RBP3-related conditions. This variant is not present in population databases (ExAC no frequency). This sequence change replaces histidine with arginine at codon 1125 of the RBP3 protein (p.His1125Arg). The histidine residue is moderately conserved and there is a small physicochemical difference between histidine and arginine.

NM_002900.3(RBP3):c.3374A>G (p.His1125Arg)

Gene: RBP3 (retinol binding protein 3; plus strand). Cytogenetic location: 10q11.22.
Variant type: single nucleotide variant.
Coding change: c.3374A>G on transcript NM_002900.3 (MANE Select); coding-DNA position 3374, A replaced by G.
Protein change: p.His1125Arg; replaces histidine 1125 with arginine.
Molecular consequence: missense variant.
Genome position (GRCh38, 1-based): chr10:47,355,504, A>G. VCF-style: chr10-47355504-A-G. GRCh37 (hg19) VCF-style: chr10-48383858-T-C.
Other names: short protein forms H1125R.
Identifiers: ClinVar variation 968018 (VCV000968018.9), dbSNP rs1304540073, ClinGen allele CA376677008.